The following is an entry in ClinVar:

ClinVar aggregate classification (germline): Uncertain significance (1 of 4 stars; one submission).

Conditions:
SEMA3G-related disorder. Also called: SEMA3G-related condition.

Submission:

PreventionGenetics, part of Exact Sciences
Classification: Uncertain significance for SEMA3G-related condition. Last evaluated: 2025-04-29. Review status: criteria provided, single submitter. Criteria: ACMG Guidelines, 2015. Collection method: clinical testing. Allele origin: germline.
Comment: The SEMA3G c.1770G>T variant is predicted to result in the amino acid substitution p.Met590Ile. To our knowledge, this variant has not been reported in the literature or in a large population database (gnomAD), indicating this variant is rare. At this time, the clinical significance of this variant is uncertain due to the absence of conclusive functional and genetic evidence.

NM_020163.3(SEMA3G):c.1770G>T (p.Met590Ile)

Gene: SEMA3G (semaphorin 3G; minus strand). Cytogenetic location: 3p21.1.
Variant type: single nucleotide variant.
Coding change: c.1770G>T on transcript NM_020163.3 (MANE Select); coding-DNA position 1770, G replaced by T.
Protein change: p.Met590Ile; replaces methionine 590 with isoleucine.
Molecular consequence: missense variant.
Genome position (GRCh38, 1-based): chr3:52,437,635, C>A on the plus strand (G>T on the coding strand, the complement: SEMA3G is on the minus strand). VCF-style: chr3-52437635-C-A. GRCh37 (hg19) VCF-style: chr3-52471651-C-A.
Other names: short protein forms M590I.
Identifiers: ClinVar variation 4997784 (VCV004997784.1).